The following is an entry in ClinVar:

ClinVar aggregate classification (germline): Pathogenic/Likely pathogenic. Review status: criteria provided, multiple submitters, no conflicts (2 of 4 stars). 2 submissions from 2 submitters: Pathogenic (1); Likely pathogenic (1). Last evaluated 2023-12-11.

Conditions:
Ehlers-Danlos syndrome, type 4 (EDSVASC). Also called: Ehlers-Danlos syndrome vascular type; Ehlers Danlos syndrome, ecchymotic type; Ehlers Danlos syndrome, arterial type; Ehlers Danlos syndrome, Sack-Barabas type; Ehlers-Danlos Syndrome Type IV. Identifiers: Orphanet 286, MedGen C0268338, MONDO:0017314, OMIM 130050.

Allele frequency attached by ClinVar (database versions not stated): gnomAD exomes below 0.00001.
gnomAD v4.1: 3 of 1,613,926 alleles (0.00019%); highest among the groups gnomAD compares: Non-Finnish European, 0.00025%; no homozygotes.

Submissions (2):

Labcorp Genetics (formerly Invitae), Labcorp
Classification: Pathogenic for Ehlers-Danlos syndrome, type 4. Last evaluated: 2023-12-11. Review status: criteria provided, single submitter. Criteria: Invitae Variant Classification Sherloc (09022015). Collection method: clinical testing. Allele origin: germline.
Comment: This sequence change creates a premature translational stop signal (p.Arg308*) in the COL3A1 gene. It is expected to result in an absent or disrupted protein product. Loss-of-function variants in COL3A1 are known to be pathogenic (PMID: 24922459). This variant is not present in population databases (gnomAD no frequency). This variant has not been reported in the literature in individuals affected with COL3A1-related conditions. ClinVar contains an entry for this variant (Variation ID: 2575973). For these reasons, this variant has been classified as Pathogenic.

Institute for Clinical Genetics, University Hospital TU Dresden, University Hospital TU Dresden
Classification: Likely pathogenic. Last evaluated: 2022-05-10. Review status: criteria provided, single submitter. Criteria: ACMG Guidelines, 2015. Collection method: clinical testing. Allele origin: germline.
Comment: PVS1, PM2_SUP

Literature cited by the submitters: PubMed 24922459 (cited by Labcorp Genetics (formerly Invitae), Labcorp).

NM_000090.4(COL3A1):c.922C>T (p.Arg308Ter)

Gene: COL3A1 (collagen type III alpha 1 chain; plus strand). Cytogenetic location: 2q32.2.
Variant type: single nucleotide variant.
Coding change: c.922C>T on transcript NM_000090.4 (MANE Select); coding-DNA position 922, C replaced by T.
Protein change: p.Arg308Ter; replaces arginine 308 with a stop codon.
Molecular consequence: nonsense.
Genome position (GRCh38, 1-based): chr2:188,991,693, C>T. VCF-style: chr2-188991693-C-T. GRCh37 (hg19) VCF-style: chr2-189856419-C-T.
Other names: short protein forms R308*.
Identifiers: ClinVar variation 2575973 (VCV002575973.4), dbSNP rs2469122024, ClinGen allele CA349850013.
Genomic context (GRCh38, chr2:188,991,693, plus strand): 5'-ATTAGAGTAAAACCATATTTCAATTTTACTCTGTAGGGTCCAAGAGGGGCTCCTGGTGAG[C>T]GAGGACGGCCAGGACTTCCTGGGGCTGCAGTGAGTATAGCTGCTAACATCACACAATTAC-3'